The following is an entry in ClinVar:

NM_001354435.2(C4orf54):c.4205C>A (p.Ala1402Asp)

Gene: C4orf54 (chromosome 4 open reading frame 54; minus strand). Cytogenetic location: 4q23.
Variant type: single nucleotide variant.
Coding change: c.4205C>A on transcript NM_001354435.2 (MANE Select); coding-DNA position 4205, C replaced by A.
Protein change: p.Ala1402Asp; replaces alanine 1402 with aspartic acid.
Molecular consequence: missense variant.
Genome position (GRCh38, 1-based): chr4:99,650,444, G>T on the plus strand (C>A on the coding strand, the complement: C4orf54 is on the minus strand). VCF-style: chr4-99650444-G-T. GRCh37 (hg19) VCF-style: chr4-100571601-G-T.
Other names: short protein forms A1402D.
Identifiers: ClinVar variation 1879611 (VCV001879611.29), dbSNP rs192931094, ClinGen allele CA3022530.

ClinVar aggregate classification (germline): Likely benign (1 of 4 stars; one submission).

Allele frequency attached by ClinVar (database versions not stated): ExAC 0.00041; gnomAD 0.00159; 1000 Genomes Project 0.00160; 1000 Genomes Project 30x 0.00203; TOPMed 0.00209.

Submission:

CeGaT Center for Human Genetics Tuebingen
Classification: Likely benign. Last evaluated: 2022-12-01. Review status: criteria provided, single submitter. Criteria: CeGaT Center For Human Genetics Tuebingen Variant Classification Criteria Version 2. Collection method: clinical testing. Allele origin: germline. Affected: yes. Observed: 1 variant allele.
Comment: C4orf54: BP4, BS1